The following is an entry in ClinVar:

ClinVar aggregate classification (germline): Pathogenic (1 of 4 stars; one submission).

Submission:

Labcorp Genetics (formerly Invitae), Labcorp
Classification: Pathogenic. Last evaluated: 2026-01-12. Review status: criteria provided, single submitter. Criteria: Invitae Variant Classification Sherloc (09022015). Collection method: clinical testing. Allele origin: germline.
Comment: This sequence change creates a premature translational stop signal (p.Arg1087Glyfs*12) in the ZNF469 gene. While this is not anticipated to result in nonsense mediated decay, it is expected to disrupt the last 2839 amino acid(s) of the ZNF469 protein. This variant is not present in population databases (gnomAD no frequency). This variant has not been reported in the literature in individuals affected with ZNF469-related conditions. This variant disrupts a region of the ZNF469 protein in which other variant(s) (p.Pro3556Glnfs*136) have been determined to be pathogenic (PMID: 32671420). This suggests that this is a clinically significant region of the protein, and that variants that disrupt it are likely to be disease-causing. For these reasons, this variant has been classified as Pathogenic.

Literature cited by the submitters: PubMed 32671420.

NM_001367624.2(ZNF469):c.3342del (p.Arg1115fs)

Gene: ZNF469 (zinc finger protein 469; plus strand). Cytogenetic location: 16q24.2.
Variant type: Deletion.
Coding change: c.3342del on transcript NM_001367624.2 (MANE Select); coding-DNA position 3342, one base deleted (G; older notation c.3342delG).
Protein change: p.Arg1115fs; shifts the reading frame from arginine 1115.
Molecular consequence: frameshift variant.
Genome position (GRCh38, 1-based): chr16:88,430,812, G deleted; the last of 2 consecutive G bases (chr16:88,430,811-88,430,812); deleting either gives the same sequence. VCF-style (leftmost placement, unchanged base first): chr16-88430810-CG-C. GRCh37 (hg19) VCF-style: chr16-88497218-CG-C.
Other names: short protein forms R1115fs.
Identifiers: ClinVar variation 4735188 (VCV004735188.1).